The following is an entry in ClinVar:

ClinVar aggregate classification (germline): Uncertain significance (1 of 4 stars; one submission).

Conditions:
Brain small vessel disease 1 with or without ocular anomalies (BSVD1). Also called: PORENCEPHALY, TYPE 1, AUTOSOMAL DOMINANT; GOULD SYNDROME 1; BRAIN SMALL VESSEL DISEASE WITH HEMORRHAGE; Brain small vessel disease with or without ocular anomalies. Identifiers: Orphanet 2940, Orphanet 36383, Orphanet 99810, MedGen C4755307, MONDO:0008289, OMIM 175780.

Submission:

3billion
Classification: Uncertain significance for Brain small vessel disease 1 with or without ocular anomalies. Last evaluated: 2022-09-01. Review status: criteria provided, single submitter. Criteria: ACMG Guidelines, 2015. Collection method: clinical testing. Allele origin: germline. Affected: yes. Observed: 1 heterozygote.
Comment: The variant is not observed in the gnomAD v2.1.1 dataset. Missense changes are a common disease-causing mechanism. In silico tool predictions suggest damaging effect of the variant on gene or gene product (REVEL: 0.80; 3Cnet: 0.73). However, the evidence of pathogenicity is insufficient at this time. Therefore, this variant is classified as uncertain significance according to the recommendation of ACMG/AMP guideline.

NM_001845.6(COL4A1):c.4660C>A (p.Pro1554Thr)

Gene: COL4A1 (collagen type IV alpha 1 chain; minus strand). Cytogenetic location: 13q34.
Variant type: single nucleotide variant.
Coding change: c.4660C>A on transcript NM_001845.6 (MANE Select); coding-DNA position 4660, C replaced by A.
Protein change: p.Pro1554Thr; replaces proline 1554 with threonine.
Molecular consequence: missense variant.
Genome position (GRCh38, 1-based): chr13:110,155,378, G>T on the plus strand (C>A on the coding strand, the complement: COL4A1 is on the minus strand). VCF-style: chr13-110155378-G-T. GRCh37 (hg19) VCF-style: chr13-110807725-G-T.
Other names: short protein forms P1554T.
Identifiers: ClinVar variation 1705698 (VCV001705698.1), dbSNP rs2501723062, ClinGen allele CA388655811.
Genomic context (GRCh38, chr13:110,155,378, plus strand): 5'-ACCCGCTGGGGCACGGTGGGATCTGAATGGTCTGGCTGTGCACGGCCATCACCATGGCAG[G>T]CGCCTCACACACAGCACACCTGGAAGTGGAGCAGAGACACTCAGCACAGCCGGGGTGCAG-3'
Protein context (NP_001836.3, residues 1544-1564): FISRCAVCEA[Pro1554Thr]AMVMAVHSQT